The following is an entry in ClinVar:

ClinVar aggregate classification (germline): Uncertain significance. Review status: criteria provided, multiple submitters, no conflicts (2 of 4 stars). 14 submissions from 14 submitters: Uncertain significance (12). 2 of the submissions do not count toward it. Last evaluated 2026-06-08.

Conditions:
ATM-related disorder. Also called: ATM-related disorders; ATM-related condition.
Hereditary cancer-predisposing syndrome. Also called: Tumor predisposition; Neoplastic Syndromes, Hereditary; Hereditary neoplastic syndrome; Hereditary Cancer Syndrome. Identifiers: Orphanet 140162, MedGen C0027672, MeSH D009386, MONDO:0015356.
Familial cancer of breast. Also called: BREAST CANCER, FAMILIAL; Hereditary breast cancer; hereditary breast carcinoma. Identifiers: Orphanet 227535, MedGen C0346153, MONDO:0016419, OMIM 114480. Disease mechanism: loss of function.
Ataxia-telangiectasia syndrome (AT). Also called: Ataxia-telangiectasia, complementation group D; AT, COMPLEMENTATION GROUP C; Cerebello-oculocutaneous telangiectasia; Immunodeficiency with ataxia telangiectasia; ATAXIA-TELANGIECTASIA, COMPLEMENTATION GROUP A; ATAXIA-TELANGIECTASIA, FRESNO VARIANT. Identifiers: Orphanet 100, MedGen C0004135, MONDO:0008840, OMIM 208900.
Malignant tumor of breast. Also called: Malignant breast neoplasm; Cancer breast. Identifiers: MedGen C0006142, MONDO:0007254. Disease mechanism: loss of function.

Allele frequency attached by ClinVar (database versions not stated): gnomAD exomes below 0.00001; TOPMed 0.00001.
gnomAD v4.1: 6 of 1,611,212 alleles (0.00037%); highest among the groups gnomAD compares: Middle Eastern, 0.017%; no homozygotes.

Submissions (14):

PreventionGenetics, part of Exact Sciences
Classification: Uncertain significance for ATM-related condition. Last evaluated: 2026-06-08. Review status: criteria provided, single submitter. Criteria: ACMG Guidelines, 2015. Collection method: clinical testing. Allele origin: germline.
Comment: The ATM c.3772C>A variant is predicted to result in the amino acid substitution p.His1258Asn. This variant has been reported in individuals with breast cancer diagnosed before the age of 50 (Supplemental data, Tung et al. 2014. PubMed ID: 25186627; Lerner-Ellis et al. 2020. PubMed ID: 32885271). This variant has not been reported in a large population database (gnomAD), indicating this variant is rare. This variant is classified as having uncertain clinical significance in ClinVar (Variation ID: 142817). At this time, the clinical significance of this variant is uncertain due to the absence of conclusive functional and genetic evidence.

St. Jude Molecular Pathology, St. Jude Children's Research Hospital
Classification: Uncertain significance for Ataxia-telangiectasia syndrome. Last evaluated: 2026-02-11. Review status: criteria provided, single submitter. Criteria: St. Jude Assertion Criteria 2020. Collection method: clinical testing. Allele origin: germline.
Comment: The ATM c.3772C>A p.(His1258Asn) missense change is absent in gnomAD v2.1.1. The in silico tool REVEL is inconclusive about a pathogenic or benign effect of this variant on protein function, and to our knowledge functional studies have not been performed. This variant has been reported in individuals with breast cancer (PMID: 3288527 1, 25186627). To our knowledge, this variant has not been reported in individuals with ataxia telangiectasia. In summary, the evidence currently available is insufficient to determine the clinical significance of this variant. It has therefore been classified as of uncertain significance.

Labcorp Genetics (formerly Invitae), Labcorp
Classification: Uncertain significance for Ataxia-telangiectasia syndrome. Last evaluated: 2025-12-14. Review status: criteria provided, single submitter. Criteria: Invitae Variant Classification Sherloc (09022015). Collection method: clinical testing. Allele origin: germline.
Comment: This sequence change replaces histidine, which is basic and polar, with asparagine, which is neutral and polar, at codon 1258 of the ATM protein (p.His1258Asn). This variant is not present in population databases (gnomAD no frequency). This missense change has been observed in individual(s) with breast cancer (PMID: 25186627, 32885271). ClinVar contains an entry for this variant (Variation ID: 142817). Invitae Evidence Modeling of protein sequence and biophysical properties (such as structural, functional, and spatial information, amino acid conservation, physicochemical variation, residue mobility, and thermodynamic stability) indicates that this missense variant is not expected to disrupt ATM protein function with a negative predictive value of 95%. In summary, the available evidence is currently insufficient to determine the role of this variant in disease. Therefore, it has been classified as a Variant of Uncertain Significance.

Athena Diagnostics
Classification: Uncertain significance. Last evaluated: 2025-11-07. Review status: criteria provided, single submitter. Criteria: Athena Diagnostics Criteria. Collection method: clinical testing. Allele origin: unknown.
Comment: Available data are insufficient to determine the clinical significance of the variant at this time. This variant has not been reported in large, multi-ethnic general populations. Polyphen and MutationTaster yielded discordant predictions regarding whether this amino acid change is damaging to the protein.

Quest Diagnostics Nichols Institute San Juan Capistrano
Classification: Uncertain significance. Last evaluated: 2025-11-07. Review status: criteria provided, single submitter. Criteria: Quest Diagnostics criteria. Collection method: clinical testing. Allele origin: unknown.
Comment: The ATM c.3772C>A (p.His1258Asn) variant has been reported in the published literature in individuals affected with breast cancer who also carried other DNA variants in different genes (PMIDs: 25186627 (2015), 32885271 (2021)). This variant has not been reported in large, multi-ethnic general populations (Genome Aggregation Database). Analysis of this variant using bioinformatics tools for the prediction of the effect of amino acid changes on protein structure and function yielded conflicting predictions that this variant is deleterious or benign. Based on the available information, we are unable to determine the clinical significance of this variant.

GeneDx
Classification: Uncertain significance. Last evaluated: 2025-08-07. Review status: criteria provided, single submitter. Criteria: GeneDx Variant Classification Process June 2021. Collection method: clinical testing. Allele origin: germline. Affected: yes.
Comment: Not observed at significant frequency in large population cohorts (gnomAD); In silico analysis supports that this missense variant has a deleterious effect on protein structure/function; This variant is associated with the following publications: (PMID: 31422574, 25186627, 32885271)

Ambry Genetics
Classification: Uncertain significance for Hereditary cancer-predisposing syndrome. Last evaluated: 2025-04-04. Review status: criteria provided, single submitter. Criteria: Ambry Variant Classification Scheme 2023. Collection method: clinical testing. Allele origin: germline.
Comment: The p.H1258N variant (also known as c.3772C>A), located in coding exon 25 of the ATM gene, results from a C to A substitution at nucleotide position 3772. The histidine at codon 1258 is replaced by asparagine, an amino acid with similar properties. This amino acid position is not well conserved in available vertebrate species. In addition, this alteration is predicted to be tolerated by in silico analysis. Since supporting evidence is limited at this time, the clinical significance of this alteration remains unclear.

KCCC/NGS Laboratory, Kuwait Cancer Control Center
Classification: Uncertain significance for Familial cancer of breast. Last evaluated: 2023-06-06. Review status: criteria provided, single submitter. Criteria: ACMG Guidelines, 2015. Collection method: clinical testing. Allele origin: germline. Affected: yes.
Comment: A variant of uncertain significance was detected in the ATM gene (c.3772C>A). This sequence change replaces histidine with asparagine at codon 1258 of the ATM protein (p.His1258Asn). The histidine residue is highly conserved and there is a small physicochemical difference between histidine and asparagine. This variant is not present in population databases (gnomAD). This variant has not been reported in the literature in individuals with ATM-related disease. ClinVar contains an entry for this variant (Variation ID: 142817) with 7 submissions, all of which describe this variant as of uncertain significance. Algorithms developed to predict the effect of missense changes on protein structure and function do not agree on the potential impact of this missense change (SIFT: Deleterious; PolyPhen-2: Benign; Align-GVGD: Class C0). Therefore, it has been classified as a Variant of Uncertain Significance. Heterozygous pathogenic/likely pathogenic mutations in the ATM cause susceptibility to breast cancer (OMIM# 114480).

Baylor Genetics
Classification: Uncertain significance for Familial cancer of breast. Last evaluated: 2023-05-24. Review status: criteria provided, single submitter. Criteria: ACMG Guidelines, 2015. Collection method: clinical testing. Allele origin: unknown.

Genetic Services Laboratory, University of Chicago
Classification: Uncertain significance. Last evaluated: 2023-01-29. Review status: criteria provided, single submitter. Criteria: ACMG Guidelines, 2015. Collection method: clinical testing. Allele origin: germline. Affected: no.
Comment: DNA sequence analysis of the ATM gene demonstrated a sequence change, c.3772C>A, in exon 26 that results in an amino acid change, p.His1258Asn. This sequence change does not appear to have been previously described in individuals with ATM-related disorders and has also not been described in population databases such as ExAC and gnomAD. The p.His1258Asn change affects a highly conserved amino acid residue located in a domain of the ATM protein that is known to be functional. In-silico pathogenicity prediction tools (SIFT, PolyPhen2, Align GVGD, REVEL) provide contradictory results for the p.His1258Asn substitution. Due to insufficient evidences and the lack of functional studies, the clinical significance of the p.His1258Asn change remains unknown at this time.

Sema4
Classification: Uncertain significance for Hereditary cancer-predisposing syndrome. Last evaluated: 2021-10-19. Review status: criteria provided, single submitter. Criteria: Sema4 Curation Guidelines. Collection method: curation. Allele origin: germline.
Comment: The ATM c.3772C>A (p.H1258N) variant has been reported in 1 individual with early onset breast cancer (PMID 25186627). This variant was not observed in the large and broad cohorts of the Genome Aggregation Database (PMID: 32461654). This variant has been reported in ClinVar (Variation ID 142817). Functional studies have not been performed, and in silico predictions of the variant's effect on protein function are not available. The overall evidence is insufficient to meet ACMG/AMP criteria for classifying it as benign or pathogenic. In summary, the clinical significance of this variant is currently uncertain.

Color Diagnostics, LLC DBA Color Health
Classification: Uncertain significance for Hereditary cancer-predisposing syndrome. Last evaluated: 2019-04-09. Review status: criteria provided, single submitter. Criteria: ACMG Guidelines, 2015. Collection method: clinical testing. Allele origin: germline.

Natera, Inc.
Classification: Uncertain significance for Ataxia-telangiectasia. Last evaluated: 2020-03-16. Review status: no assertion criteria provided. Collection method: clinical testing. Allele origin: germline. Not counted in ClinVar's aggregate classification.

Department of Pathology and Laboratory Medicine, Sinai Health System
Classification: Uncertain significance for Malignant tumor of breast. Review status: no assertion criteria provided. Collection method: clinical testing. Allele origin: unknown. Affected: yes. Study: The Canadian Open Genetics Repository (COGR). Not counted in ClinVar's aggregate classification.
Comment: The ATM p.His1258Asn variant was not identified in the literature nor was it identified in the LOVD 3.0 database. The variant was identified in dbSNP (ID: rs587782741) as "With uncertain significance allele" and in ClinVar (classified as uncertain significance by Invitae, Ambry Genetics, GeneDx and Color). The variant was not identified in the following control databases: the Exome Aggregation Consortium (August 8th 2016) or the Genome Aggregation Database (Feb 27, 2017). The p.His1258 residue is not conserved in mammals and computational analyses (PolyPhen-2, SIFT, AlignGVGD, BLOSUM, MutationTaster) provide inconsistent predictions regarding the impact to the protein; this information is not very predictive of pathogenicity. The variant occurs outside of the splicing consensus sequence and in silico or computational prediction software programs (SpliceSiteFinder, MaxEntScan, NNSPLICE, GeneSplicer) do not predict a difference in splicing. In summary, based on the above information, the clinical significance of this variant cannot be determined with certainty at this time. This variant is classified as a variant of uncertain significance.

Literature cited by the submitters: PubMed 25186627 (cited by 5 submitters); PubMed 32885271 (cited by 3 submitters); PubMed 31422574 (cited by Athena Diagnostics and Quest Diagnostics Nichols Institute San Juan Capistrano).

NM_000051.4(ATM):c.3772C>A (p.His1258Asn)

Gene: ATM (ATM serine/threonine kinase; plus strand). Cytogenetic location: 11q22.3.
Variant type: single nucleotide variant.
Coding change: c.3772C>A on transcript NM_000051.4 (MANE Select); coding-DNA position 3772, C replaced by A.
Protein change: p.His1258Asn; replaces histidine 1258 with asparagine.
Molecular consequence: missense variant.
Genome position (GRCh38, 1-based): chr11:108,284,252, C>A. VCF-style: chr11-108284252-C-A. GRCh37 (hg19) VCF-style: chr11-108154979-C-A.
Other names: c.3772C>A, p.His1258Asn (NM_001351834.2); short protein forms H1258N.
Identifiers: ClinVar variation 142817 (VCV000142817.36), dbSNP rs587782741, ClinGen allele CA169486.